The following is an entry in ClinVar:

ClinVar aggregate classification (germline): Uncertain significance (1 of 4 stars; one submission).

gnomAD v4.1: 1 of 152,148 alleles (0.00066%); highest among the groups gnomAD compares: Non-Finnish European, 0.0015%; no homozygotes.

Submission:

GeneDx
Classification: Uncertain significance. Last evaluated: 2019-08-08. Review status: criteria provided, single submitter. Criteria: GeneDx Variant Classification Process June 2021. Collection method: clinical testing. Allele origin: germline. Affected: yes.
Comment: Not observed in large population cohorts; however, limited data are available (Lek et al., 2016); In-silico analysis, which includes splice predictors and evolutionary conservation, is inconclusive as to whether the variant alters gene splicing. In the absence of RNA/functional studies, the actual effect of this sequence change is unknown.; Has not been previously published as pathogenic or benign to our knowledge

NM_001127644.2(GABRA1):c.-260T>C

Gene: GABRA1 (gamma-aminobutyric acid type A receptor subunit alpha1; plus strand). Cytogenetic location: 5q34.
Variant type: single nucleotide variant.
Coding change: c.-260T>C on transcript NM_001127644.2 (MANE Select); 260 bases upstream of the start codon, T replaced by C.
Molecular consequence: 5 prime UTR variant. On other transcripts: intron variant (2).
Genome position (GRCh38, 1-based): chr5:161,848,178, T>C. VCF-style: chr5-161848178-T-C. GRCh37 (hg19) VCF-style: chr5-161275184-T-C.
Other names: c.-247-13T>C (NM_000806.5, NM_001127643.2).
Identifiers: ClinVar variation 1227301 (VCV001227301.3), dbSNP rs960154706, ClinGen allele CA131081739.
Genomic context (GRCh38, chr5:161,848,178, plus strand): 5'-GCCTATTTCACATCCGGTTTGCCCTGGGACGTATTACTACTGTCTTGGTAAAGAGAAATC[T>C]TTTGTTGTATAGCTGCAGATTGGATATTGGGAAGCAAATTTGGGTGTGAAATCTTCAGCA-3'